The following is an entry in ClinVar:

ClinVar aggregate classification (germline): Benign (1 of 4 stars; one submission).

gnomAD v4.1: 187 of 1,594,644 alleles (0.012%); highest among the groups gnomAD compares: African/African-American, 0.22%; 1 homozygote.

Submission:

CeGaT Center for Human Genetics Tuebingen
Classification: Benign. Last evaluated: 2026-10-01. Review status: criteria provided, single submitter. Criteria: CeGaT Center For Human Genetics Tuebingen Variant Classification Criteria Version 2. Collection method: clinical testing. Allele origin: germline. Affected: yes. Observed: 1 variant allele.
Comment: ADGRL1: BP4, BS1, BS2

NM_014921.5(ADGRL1):c.1840-6G>A

Genes: ADGRL1 (adhesion G protein-coupled receptor L1; minus strand), ADGRL1-AS1 (ADGRL1 antisense RNA 1; plus strand). Cytogenetic location: 19p13.12.
Variant type: single nucleotide variant.
Coding change: c.1840-6G>A on transcript NM_014921.5 (MANE Select); 6 bases into the intron before coding-DNA position 1840, G replaced by A.
Molecular consequence: intron variant.
Genome position (GRCh38, 1-based): chr19:14,159,590, C>T on the plus strand (G>A on the coding strand, the complement: ADGRL1 is on the minus strand). VCF-style: chr19-14159590-C-T. GRCh37 (hg19) VCF-style: chr19-14270402-C-T.
Other names: c.1855-6G>A (NM_001008701.3).
Identifiers: ClinVar variation 5041126 (VCV005041126.1).